The following is an entry in ClinVar:

ClinVar aggregate classification (germline): Uncertain significance (1 of 4 stars; one submission).

Conditions:
Leukocyte adhesion deficiency 3. Also called: INTEGRIN ACTIVATION DEFICIENCY DISEASE; LEUKOCYTE ADHESION DEFICIENCY 1 VARIANT; Leukocyte adhesion deficiency, type III. Identifiers: Orphanet 2968, Orphanet 99844, MedGen C2748536, MONDO:0013016, OMIM 612840.

Submission:

Labcorp Genetics (formerly Invitae), Labcorp
Classification: Uncertain significance for Leukocyte adhesion deficiency 3. Last evaluated: 2019-07-25. Review status: criteria provided, single submitter. Criteria: Invitae Variant Classification Sherloc (09022015). Collection method: clinical testing. Allele origin: germline.
Comment: This variant, c.442_444del, results in the deletion of 1 amino acid(s) of the FERMT3 protein (p.Lys148del), but otherwise preserves the integrity of the reading frame. This variant is present in population databases (rs776324976, ExAC 0.007%). This variant has not been reported in the literature in individuals with FERMT3-related conditions. Experimental studies and prediction algorithms are not available for this variant, and the functional significance of the affected amino acid(s) is currently unknown. In summary, the available evidence is currently insufficient to determine the role of this variant in disease. Therefore, it has been classified as a Variant of Uncertain Significance.

NM_031471.6(FERMT3):c.439AAG[1] (p.Lys148del)

Gene: FERMT3 (FERM domain containing kindlin 3; plus strand). Cytogenetic location: 11q13.1.
Variant type: Microsatellite.
Coding change: c.439AAG[1] on transcript NM_031471.6 (MANE Select); one copy of the 3-base unit AAG starting at c.439; the reference has two copies in a row; one copy, 3 bases deleted.
Protein change: p.Lys148del; deletes lysine 148.
Molecular consequence: inframe deletion. On other transcripts: 5 prime UTR variant (2).
Genome position (GRCh38, 1-based): chr11:64,211,099-64,211,101, AAG deleted; deleting any 3 consecutive bases within chr11:64,211,094-64,211,101 gives the same sequence; the position shown is the placement nearest the transcript's 3' end. VCF-style (leftmost placement, unchanged base first): chr11-64211093-GAGA-G. GRCh37 (hg19) VCF-style: chr11-63978565-GAGA-G.
Other names: c.439AAG[1], p.Lys148del (NM_001382361.1, NM_001382362.1, NM_001382448.1 and 1 more transcripts); c.-102AAG[1] (NM_001382363.1, NM_001382364.1); short protein forms K148del.
Identifiers: ClinVar variation 858157 (VCV000858157.8), dbSNP rs776324976, ClinGen allele CA6068755.